The following is an entry in ClinVar:

ClinVar aggregate classification (germline): Uncertain significance (1 of 4 stars; one submission).

Allele frequency attached by ClinVar (database versions not stated): ExAC 0.00002; gnomAD 0.00002; 1000 Genomes Project 30x 0.00016; 1000 Genomes Project 0.00020.
gnomAD v4.1: 25 of 1,613,494 alleles (0.0015%); highest among the groups gnomAD compares: East Asian, 0.0022%; no homozygotes.

Submission:

Labcorp Genetics (formerly Invitae), Labcorp
Classification: Uncertain significance. Last evaluated: 2022-08-09. Review status: criteria provided, single submitter. Criteria: Invitae Variant Classification Sherloc (09022015). Collection method: clinical testing. Allele origin: germline.
Comment: Algorithms developed to predict the effect of missense changes on protein structure and function are either unavailable or do not agree on the potential impact of this missense change (SIFT: "Deleterious"; PolyPhen-2: "Probably Damaging"; Align-GVGD: "Class C0"). In summary, the available evidence is currently insufficient to determine the role of this variant in disease. Therefore, it has been classified as a Variant of Uncertain Significance. This variant has not been reported in the literature in individuals affected with LSS-related conditions. This variant is present in population databases (rs538836283, gnomAD 0.003%). This sequence change replaces arginine, which is basic and polar, with tryptophan, which is neutral and slightly polar, at codon 234 of the LSS protein (p.Arg234Trp).

NM_002340.6(LSS):c.700C>T (p.Arg234Trp)

Gene: LSS (lanosterol synthase; minus strand). Cytogenetic location: 21q22.3.
Variant type: single nucleotide variant.
Coding change: c.700C>T on transcript NM_002340.6 (MANE Select); coding-DNA position 700, C replaced by T.
Protein change: p.Arg234Trp; replaces arginine 234 with tryptophan.
Molecular consequence: missense variant.
Genome position (GRCh38, 1-based): chr21:46,216,472, G>A on the plus strand (C>T on the coding strand, the complement: LSS is on the minus strand). VCF-style: chr21-46216472-G-A. GRCh37 (hg19) VCF-style: chr21-47636386-G-A.
Other names: c.700C>T, p.Arg234Trp (NM_001001438.3); c.667C>T, p.Arg223Trp (NM_001145436.2); c.460C>T, p.Arg154Trp (NM_001145437.2); short protein forms R223W, R234W, R154W.
Identifiers: ClinVar variation 1930516 (VCV001930516.5), dbSNP rs538836283, ClinGen allele CA10075359.